The following is an entry in ClinVar:

NM_001829.4(CLCN3):c.2367-2035T>C

Gene: CLCN3 (Cl-/H+ antiporter 3; plus strand). Cytogenetic location: 4q33.
Variant type: single nucleotide variant.
Coding change: c.2367-2035T>C on transcript NM_001829.4 (MANE Select); 2035 bases into the intron before coding-DNA position 2367, T replaced by C.
Molecular consequence: intron variant.
Genome position (GRCh38, 1-based): chr4:169,717,872, T>C. VCF-style: chr4-169717872-T-C. GRCh37 (hg19) VCF-style: chr4-170639023-T-C.
Other names: c.2442+5T>C (NM_173872.4); c.2286-2035T>C (NM_001243372.2, NM_001243374.2).
Identifiers: ClinVar variation 4993663 (VCV004993663.1).

ClinVar aggregate classification (germline): Uncertain significance (1 of 4 stars; one submission).

Conditions:
CLCN3-related disorder. Also called: CLCN3-related condition.

Submission:

PreventionGenetics, part of Exact Sciences
Classification: Uncertain significance for CLCN3-related condition. Last evaluated: 2026-03-25. Review status: criteria provided, single submitter. Criteria: ACMG Guidelines, 2015. Collection method: clinical testing. Allele origin: germline.
Comment: The CLCN3 c.2442+5T>C variant is predicted to interfere with splicing. This variant is predicted to alter splicing based on available splicing prediction programs (SpliceAI, Jaganathan et al. 2019. PubMed ID: 30661751). To our knowledge, this variant has not been reported in the literature or in a large population database (gnomAD), indicating this variant is rare. At this time, the clinical significance of this variant is uncertain due to the absence of conclusive functional and genetic evidence.